The following is an entry in ClinVar:

ClinVar aggregate classification (germline): Likely benign (1 of 4 stars; one submission).

gnomAD v4.1: 4,381 of 1,287,968 alleles (0.34%); highest among the groups gnomAD compares: Non-Finnish European, 0.42%; 11 homozygotes.

Submission:

CeGaT Center for Human Genetics Tuebingen
Classification: Likely benign. Last evaluated: 2026-09-01. Review status: criteria provided, single submitter. Criteria: CeGaT Center For Human Genetics Tuebingen Variant Classification Criteria Version 2. Collection method: clinical testing. Allele origin: germline. Affected: yes. Observed: 8 variant alleles.
Comment: RFX7: BP4, BS2

NM_022841.7(RFX7):c.168T>C (p.Thr56=)

Gene: RFX7 (regulatory factor X7; minus strand). Cytogenetic location: 15q21.3.
Variant type: single nucleotide variant.
Coding change: c.168T>C on transcript NM_022841.7 (MANE Select); coding-DNA position 168, T replaced by C.
Protein change: p.Thr56=; no amino-acid change (threonine 56 retained).
Molecular consequence: synonymous variant. On other transcripts: 5 prime UTR variant (2), intron variant (1).
Genome position (GRCh38, 1-based): chr15:56,179,297, A>G on the plus strand (T>C on the coding strand, the complement: RFX7 is on the minus strand). VCF-style: chr15-56179297-A-G. GRCh37 (hg19) VCF-style: chr15-56471495-A-G.
Other names: c.-124T>C (NM_001368074.1, NM_001370554.1); c.168T>C, p.Thr56= (NM_001370561.1); c.-96-34814T>C (NM_001368073.2).
Identifiers: ClinVar variation 3770510 (VCV003770510.13).